The following is an entry in ClinVar:

ClinVar aggregate classification (germline): Uncertain significance (1 of 4 stars; one submission).

Submission:

GeneDx
Classification: Uncertain significance. Last evaluated: 2024-05-31. Review status: criteria provided, single submitter. Criteria: GeneDx Variant Classification Process June 2021. Collection method: clinical testing. Allele origin: germline. Affected: yes.
Comment: Not observed at significant frequency in large population cohorts (gnomAD); In silico analysis supports that this missense variant has a deleterious effect on protein structure/function; Has not been previously published as pathogenic or benign to our knowledge

NM_015215.4(CAMTA1):c.3273C>A (p.His1091Gln)

Gene: CAMTA1 (calmodulin binding transcription activator 1; plus strand). Cytogenetic location: 1p36.23.
Variant type: single nucleotide variant.
Coding change: c.3273C>A on transcript NM_015215.4 (MANE Select); coding-DNA position 3273, C replaced by A.
Protein change: p.His1091Gln; replaces histidine 1091 with glutamine.
Molecular consequence: missense variant.
Genome position (GRCh38, 1-based): chr1:7,736,940, C>A. VCF-style: chr1-7736940-C-A. GRCh37 (hg19) VCF-style: chr1-7797000-C-A.
Other names: c.3183C>A, p.His1061Gln (NM_001349608.2, NM_001349612.2); c.3273C>A, p.His1091Gln (NM_001349609.2, NM_001349610.2, NM_001410737.1); c.402C>A, p.His134Gln (NM_001349613.1); c.345C>A, p.His115Gln (NM_001349614.1, NM_001349615.2, NM_001349616.2 and 10 more transcripts); c.3201C>A, p.His1067Gln (NM_001410738.1); short protein forms H1061Q, H1067Q, H1091Q, H115Q, H134Q.
Identifiers: ClinVar variation 3391541 (VCV003391541.1).
Genomic context (GRCh38, chr1:7,736,940, plus strand): 5'-CCTTTTAACGGTGGTGAATAGTGTGGTAATTTCTGGTGCTCTCCCTTATAGTACAAAGCA[C>A]GCGGATAGCATTGACCTGGAACTGGAAGTTGACCCCTTGAATGTGGACCACTTCTCCTGT-3'
Protein context (NP_056030.1, residues 1081-1101): IQTLIKWRTK[His1091Gln]ADSIDLELEV